The following is an entry in ClinVar:

NM_004104.5(FASN):c.5422C>T (p.Arg1808Trp)

Gene: FASN (fatty acid synthase; minus strand). Cytogenetic location: 17q25.3.
Variant type: single nucleotide variant.
Coding change: c.5422C>T on transcript NM_004104.5 (MANE Select); coding-DNA position 5422, C replaced by T.
Protein change: p.Arg1808Trp; replaces arginine 1808 with tryptophan.
Molecular consequence: missense variant.
Genome position (GRCh38, 1-based): chr17:82,083,345, G>A on the plus strand (C>T on the coding strand, the complement: FASN is on the minus strand). VCF-style: chr17-82083345-G-A. GRCh37 (hg19) VCF-style: chr17-80041221-G-A.
Other names: short protein forms R1808W.
Identifiers: ClinVar variation 836071 (VCV000836071.9), dbSNP rs942504929, ClinGen allele CA295127366.

ClinVar aggregate classification (germline): Uncertain significance (1 of 4 stars; one submission).

Conditions:
Epileptic encephalopathy. Identifiers: MedGen C0543888, HP:0200134.

Allele frequency attached by ClinVar (database versions not stated): gnomAD exomes below 0.00001; TOPMed below 0.00001; gnomAD 0.00001.
gnomAD v4.1: 3 of 1,612,574 alleles (0.00019%); highest among the groups gnomAD compares: African/African-American, 0.0013%; no homozygotes.

Submission:

Labcorp Genetics (formerly Invitae), Labcorp
Classification: Uncertain significance for Epileptic encephalopathy. Last evaluated: 2022-02-03. Review status: criteria provided, single submitter. Criteria: Invitae Variant Classification Sherloc (09022015). Collection method: clinical testing. Allele origin: germline.
Comment: Algorithms developed to predict the effect of missense changes on protein structure and function are either unavailable or do not agree on the potential impact of this missense change (SIFT: "Tolerated"; PolyPhen-2: "Possibly Damaging"; Align-GVGD: "Class C0"). ClinVar contains an entry for this variant (Variation ID: 836071). This variant has not been reported in the literature in individuals affected with FASN-related conditions. This variant is not present in population databases (gnomAD no frequency). This sequence change replaces arginine, which is basic and polar, with tryptophan, which is neutral and slightly polar, at codon 1808 of the FASN protein (p.Arg1808Trp). Algorithms developed to predict the effect of sequence changes on RNA splicing suggest that this variant may create or strengthen a splice site. In summary, the available evidence is currently insufficient to determine the role of this variant in disease. Therefore, it has been classified as a Variant of Uncertain Significance.